The following is an entry in ClinVar:

NM_000171.4(GLRA1):c.1341C>A (p.His447Gln)

Gene: GLRA1 (glycine receptor alpha 1; minus strand). Cytogenetic location: 5q33.1.
Variant type: single nucleotide variant.
Coding change: c.1341C>A on transcript NM_000171.4 (MANE Select); coding-DNA position 1341, C replaced by A.
Protein change: p.His447Gln; replaces histidine 447 with glutamine.
Molecular consequence: missense variant.
Genome position (GRCh38, 1-based): chr5:151,822,682, G>T on the plus strand (C>A on the coding strand, the complement: GLRA1 is on the minus strand). VCF-style: chr5-151822682-G-T. GRCh37 (hg19) VCF-style: chr5-151202243-G-T.
Other names: c.1365C>A, p.His455Gln (NM_001146040.2); c.1092C>A, p.His364Gln (NM_001292000.2); short protein forms H447Q, H364Q, H455Q.
Identifiers: ClinVar variation 3002261 (VCV003002261.3), dbSNP rs773707878, ClinGen allele CA3523451.

ClinVar aggregate classification (germline): Uncertain significance (1 of 4 stars; one submission).

Conditions:
Hereditary hyperekplexia. Identifiers: Orphanet 3197, MedGen C4084968, MONDO:0021022.

gnomAD v4.1: 5 of 1,611,644 alleles (0.00031%); highest among the groups gnomAD compares: Admixed American, 0.0017%; no homozygotes.

Submission:

Labcorp Genetics (formerly Invitae), Labcorp
Classification: Uncertain significance for Hereditary hyperekplexia. Last evaluated: 2025-07-27. Review status: criteria provided, single submitter. Criteria: Invitae Variant Classification Sherloc (09022015). Collection method: clinical testing. Allele origin: germline.
Comment: This sequence change replaces histidine, which is basic and polar, with glutamine, which is neutral and polar, at codon 447 of the GLRA1 protein (p.His447Gln). This variant is present in population databases (rs773707878, gnomAD 0.003%). This variant has not been reported in the literature in individuals affected with GLRA1-related conditions. ClinVar contains an entry for this variant (Variation ID: 3002261). Invitae Evidence Modeling of protein sequence and biophysical properties (such as structural, functional, and spatial information, amino acid conservation, physicochemical variation, residue mobility, and thermodynamic stability) has been performed for this missense variant. However, the output from this modeling did not meet the statistical confidence thresholds required to predict the impact of this variant on GLRA1 protein function. In summary, the available evidence is currently insufficient to determine the role of this variant in disease. Therefore, it has been classified as a Variant of Uncertain Significance.